The following is an entry in ClinVar:

NM_004360.5(CDH1):c.1427A>C (p.Asp476Ala)

Gene: CDH1 (cadherin 1; plus strand). Cytogenetic location: 16q22.1.
Variant type: single nucleotide variant.
Coding change: c.1427A>C on transcript NM_004360.5 (MANE Select); coding-DNA position 1427, A replaced by C.
Protein change: p.Asp476Ala; replaces aspartic acid 476 with alanine.
Molecular consequence: missense variant. On other transcripts: 5 prime UTR variant (2).
Genome position (GRCh38, 1-based): chr16:68,815,621, A>C. VCF-style: chr16-68815621-A-C. GRCh37 (hg19) VCF-style: chr16-68849524-A-C.
Other names: c.1244A>C, p.Asp415Ala (NM_001317184.2); c.-122A>C (NM_001317185.2); c.-393A>C (NM_001317186.2); short protein forms D415A, D476A.
Identifiers: ClinVar variation 1772389 (VCV001772389.2), dbSNP rs1177546897, ClinGen allele CA396462989.

ClinVar aggregate classification (germline): Uncertain significance (1 of 4 stars; one submission).

Conditions:
Hereditary cancer-predisposing syndrome. Also called: Hereditary Cancer Syndrome; Hereditary neoplastic syndrome; Neoplastic Syndromes, Hereditary; Tumor predisposition. Identifiers: Orphanet 140162, MedGen C0027672, MeSH D009386, MONDO:0015356.

Allele frequency attached by ClinVar (database versions not stated): gnomAD 0.00001.

Submission:

Ambry Genetics
Classification: Uncertain significance for Hereditary cancer-predisposing syndrome. Last evaluated: 2022-03-01. Review status: criteria provided, single submitter. Criteria: Ambry Variant Classification Scheme 2023. Collection method: clinical testing. Allele origin: germline.
Comment: The p.D476A variant (also known as c.1427A>C), located in coding exon 10 of the CDH1 gene, results from an A to C substitution at nucleotide position 1427. The aspartic acid at codon 476 is replaced by alanine, an amino acid with dissimilar properties. This amino acid position is conserved. In addition, this alteration is predicted to be tolerated by in silico analysis. Since supporting evidence is limited at this time, the clinical significance of this alteration remains unclear.